The following is an entry in ClinVar:

NM_001278512.2(AP3B2):c.2162A>G (p.Asp721Gly)

Genes: AP3B2 (adaptor related protein complex 3 subunit beta 2; minus strand), CPEB1-AS1 (CPEB1 antisense RNA 1; plus strand). Cytogenetic location: 15q25.2.
Variant type: single nucleotide variant.
Coding change: c.2162A>G on transcript NM_001278512.2 (MANE Select); coding-DNA position 2162, A replaced by G.
Protein change: p.Asp721Gly; replaces aspartic acid 721 with glycine.
Molecular consequence: missense variant.
Genome position (GRCh38, 1-based): chr15:82,664,466, T>C on the plus strand (A>G on the coding strand, the complement: AP3B2 is on the minus strand). VCF-style: chr15-82664466-T-C. GRCh37 (hg19) VCF-style: chr15-83333218-T-C.
Other names: c.2009A>G, p.Asp670Gly (NM_001278511.2); c.2105A>G, p.Asp702Gly (NM_004644.5); short protein forms D670G, D702G, D721G.
Identifiers: ClinVar variation 1353143 (VCV001353143.8), dbSNP rs2151429027, ClinGen allele CA393312023.

ClinVar aggregate classification (germline): Uncertain significance (1 of 4 stars; one submission).

gnomAD v4.1: 4 of 1,613,744 alleles (0.00025%); highest among the groups gnomAD compares: Non-Finnish European, 0.00034%; no homozygotes.

Submission:

Labcorp Genetics (formerly Invitae), Labcorp
Classification: Uncertain significance. Last evaluated: 2021-05-12. Review status: criteria provided, single submitter. Criteria: Invitae Variant Classification Sherloc (09022015). Collection method: clinical testing. Allele origin: germline.
Comment: This variant has not been reported in the literature in individuals with AP3B2-related conditions. This sequence change replaces aspartic acid with glycine at codon 702 of the AP3B2 protein (p.Asp702Gly). The aspartic acid residue is weakly conserved and there is a moderate physicochemical difference between aspartic acid and glycine. This variant is not present in population databases (ExAC no frequency). Algorithms developed to predict the effect of missense changes on protein structure and function output the following: SIFT: "Tolerated"; PolyPhen-2: "Possibly Damaging"; Align-GVGD: "Class C0". The glycine amino acid residue is found in multiple mammalian species, suggesting that this missense change does not adversely affect protein function. These predictions have not been confirmed by published functional studies and their clinical significance is uncertain. In summary, the available evidence is currently insufficient to determine the role of this variant in disease. Therefore, it has been classified as a Variant of Uncertain Significance.